The following is an entry in ClinVar:

ClinVar aggregate classification (germline): Likely pathogenic. Review status: criteria provided, multiple submitters, no conflicts (2 of 4 stars). 5 submissions from 5 submitters: Likely pathogenic (5). Last evaluated 2026-04-09.

Conditions:
Hematuria, benign familial, 2 (BFH2). Identifiers: MedGen C5830421, MONDO:0958186, OMIM 620320.
Alport syndrome. Also called: Hemorrhagic familial nephritis; Hemorrhagic hereditary nephritis; Congenital hereditary hematuria. Identifiers: Orphanet 63, MedGen C1567741, MONDO:0018965.
Autosomal dominant Alport syndrome (ATS3A). Also called: Alport syndrome dominant type; Renal failure and sensorineural hearing loss; ALPORT SYNDROME 3A, AUTOSOMAL DOMINANT. Identifiers: Orphanet 63, Orphanet 88918, MedGen C5882663, MONDO:0007086, OMIM 104200.
Alport syndrome 3b, autosomal recessive. Identifiers: MedGen C5882699, MONDO:0957811, OMIM 620536.

Allele frequency attached by ClinVar (database versions not stated): gnomAD exomes below 0.00001; TOPMed below 0.00001.

Submissions (5):

Centre de Génétique Humaine, Institut de Pathologie Et de Génétique
Classification: Likely pathogenic for Hematuria, benign familial, 2. Last evaluated: 2026-04-09. Review status: criteria provided, single submitter. Criteria: ACMG Guidelines, 2015. Collection method: clinical testing. Allele origin: maternal. Inheritance: Autosomal dominant inheritance. Affected: yes. Observed: 1 variant allele, 1 heterozygote. Segregation with disease observed.
Comment: This missense variant involves a highly conserved glycine located in a ‘Gly-X-Y’ motif in collagenous region, which is characteristic of the pathogenic variants identified in the COL4A3 gene (PM1,PP2). This variant is rare: allelic frequency of 0.000062% in gnomAD v4.1.0 database (PM2). Another missense variant affecting the same residue described : c.343G>A, p.Gly115Arg, PMID: 29801666; PMID: 33369211; PMID: 39810285 (PM5). In silico analysis supports that this missense variant has a deleterious effect (PP3).

Natera, Inc.
Classification: Likely pathogenic for Alport syndrome. Last evaluated: 2025-11-06. Review status: criteria provided, single submitter. Criteria: Natera Variant Classification Schema (03/2026). Collection method: clinical testing. Allele origin: germline.
Comment: The c.344G>C variant in COL4A3 is a missense variant predicted to cause substitution of glycine to alanine at amino acid 115. This variant is rare in the general population with a frequency below the threshold expected for the associated phenotype(s). This variant is located in a functionally critical region of the protein. A different variant at the same position has been determined to be Pathogenic or Likely Pathogenic. Computational prediction algorithms indicate this variant is likely to affect gene or protein function. Given the available evidence, this variant is classified as Likely Pathogenic.

Fulgent Genetics
Classification: Likely pathogenic for Autosomal dominant Alport syndrome; Hematuria, benign familial, 2; Alport syndrome 3b, autosomal recessive. Last evaluated: 2024-05-22. Review status: criteria provided, single submitter. Criteria: ACMG Guidelines, 2015. Collection method: clinical testing. Allele origin: germline.

Labcorp Genetics (formerly Invitae), Labcorp
Classification: Likely pathogenic. Last evaluated: 2023-03-27. Review status: criteria provided, single submitter. Criteria: Invitae Variant Classification Sherloc (09022015). Collection method: clinical testing. Allele origin: germline.
Comment: This variant disrupts the p.Gly115 amino acid residue in COL4A3. Other variant(s) that disrupt this residue have been determined to be pathogenic (PMID: 29801666, 33369211). This suggests that this residue is clinically significant, and that variants that disrupt this residue are likely to be disease-causing. In summary, the currently available evidence indicates that the variant is pathogenic, but additional data are needed to prove that conclusively. Therefore, this variant has been classified as Likely Pathogenic. Advanced modeling of protein sequence and biophysical properties (such as structural, functional, and spatial information, amino acid conservation, physicochemical variation, residue mobility, and thermodynamic stability) has been performed at Invitae for this missense variant, however the output from this modeling did not meet the statistical confidence thresholds required to predict the impact of this variant on COL4A3 protein function. ClinVar contains an entry for this variant (Variation ID: 2189752). This variant has not been reported in the literature in individuals affected with COL4A3-related conditions. This variant is present in population databases (no rsID available, gnomAD 0.0009%). This sequence change replaces glycine, which is neutral and non-polar, with alanine, which is neutral and non-polar, at codon 115 of the COL4A3 protein (p.Gly115Ala).

Clinical Genetics Service, Universitary Hospital 12 de Octubre
Classification: Likely pathogenic for Autosomal dominant Alport syndrome. Review status: criteria provided, single submitter. Criteria: ACMG Guidelines, 2015. Collection method: clinical testing. Allele origin: germline. Affected: yes.

Literature cited by the submitters: PubMed 29801666 (cited by Labcorp Genetics (formerly Invitae), Labcorp); PubMed 33369211 (cited by Labcorp Genetics (formerly Invitae), Labcorp).

NM_000091.5(COL4A3):c.344G>C (p.Gly115Ala)

Genes: MFF-DT (MFF divergent transcript; minus strand), COL4A3 (collagen type IV alpha 3 chain; plus strand). Cytogenetic location: 2q36.3.
Variant type: single nucleotide variant.
Coding change: c.344G>C on transcript NM_000091.5 (MANE Select); coding-DNA position 344, G replaced by C.
Protein change: p.Gly115Ala; replaces glycine 115 with alanine.
Molecular consequence: missense variant.
Genome position (GRCh38, 1-based): chr2:227,245,973, G>C. VCF-style: chr2-227245973-G-C. GRCh37 (hg19) VCF-style: chr2-228110689-G-C.
Other names: p.(Gly115Ala); short protein forms G115A.
Identifiers: ClinVar variation 2189752 (VCV002189752.8), dbSNP rs1408412826, ClinGen allele CA350861652.
Genomic context (GRCh38, chr2:227,245,973, plus strand): 5'-CTTGGGATGACCCTCCTCATTGAGACTTGTTCTTCTTCCAGGGCACCCCAGGCAATACCG[G>C]GCCTTACGGACTTGTCGGTGTACCAGGATGCAGTGGTTCTAAGGTAAGTACTTTTCACAC-3'
Protein context (NP_000082.2, residues 105-125): PGLPGTPGNT[Gly115Ala]PYGLVGVPGC